The following is an entry in ClinVar:

ClinVar aggregate classification (germline): Uncertain significance (1 of 4 stars; one submission).

Conditions:
3M syndrome 1. Also called: 3-M Syndrome, CUL7-Related. Identifiers: Orphanet 2616, MedGen C2678312, MONDO:0010117, OMIM 273750.

Allele frequency attached by ClinVar (database versions not stated): TOPMed 0.00001.

Submission:

Baylor Genetics
Classification: Uncertain significance for 3M syndrome 1. Last evaluated: 2020-01-30. Review status: criteria provided, single submitter. Criteria: ACMG Guidelines, 2015. Collection method: clinical testing. Allele origin: unknown. Affected: yes.
Comment: This variant was determined to be of uncertain significance according to ACMG Guidelines, 2015 [PMID:25741868].

NM_014780.5(CUL7):c.4504A>T (p.Ile1502Phe)

Gene: CUL7 (cullin 7; minus strand). Cytogenetic location: 6p21.1.
Variant type: single nucleotide variant.
Coding change: c.4504A>T on transcript NM_014780.5 (MANE Select); coding-DNA position 4504, A replaced by T.
Protein change: p.Ile1502Phe; replaces isoleucine 1502 with phenylalanine.
Molecular consequence: missense variant.
Genome position (GRCh38, 1-based): chr6:43,038,629, T>A on the plus strand (A>T on the coding strand, the complement: CUL7 is on the minus strand). VCF-style: chr6-43038629-T-A. GRCh37 (hg19) VCF-style: chr6-43006367-T-A.
Other names: c.4600A>T, p.Ile1534Phe (NM_001168370.2, NM_001374872.1); c.4504A>T, p.Ile1502Phe (NM_001374873.1); c.4501A>T, p.Ile1501Phe (NM_001374874.1); short protein forms I1534F, I1501F, I1502F.
Identifiers: ClinVar variation 1027893 (VCV001027893.1), dbSNP rs1188969387, ClinGen allele CA364189628.
Genomic context (GRCh38, chr6:43,038,629, plus strand): 5'-CTGGTATATCCTTTTGCTCGTGAAGGTCCAGGGGGCCTCTTGAAGAGGTGAGGGGCCCAA[T>A]CGCCTGATTGAGCATGTCTGCGGAGAGCCCTGAGAACGCCAGCAGACTCTCCACAGAGAC-3'
Protein context (NP_055595.2, residues 1492-1512): GLSADMLNQA[Ile1502Phe]GPLTSSRGPL